The following is an entry in ClinVar:

ClinVar aggregate classification (germline): Conflicting classifications of pathogenicity. Review status: criteria provided, conflicting classifications (1 of 4 stars). 4 submissions from 4 submitters: Likely pathogenic (2); Uncertain significance (1). 1 of the submissions does not count toward it. Last evaluated 2025-02-05.

Conditions:
Pontocerebellar hypoplasia, type 12. Identifiers: Orphanet 611256, MedGen C4748873, MONDO:0032643, OMIM 618266.
Neurodegeneration with brain iron accumulation 6 (NBIA6). Also called: COASY protein-associated neurodegeneration. Identifiers: Orphanet 397725, MedGen C4517377, MONDO:0014290, OMIM 615643.
COASY-Related Disorders.
Lipid storage myopathy. Also called: Muscular lipidosis. Identifiers: Orphanet 206953, MedGen C0410214, MeSH C562935.

Allele frequency attached by ClinVar (database versions not stated): gnomAD exomes 0.00003; gnomAD 0.00005; TOPMed 0.00006; ExAC 0.00011; 1000 Genomes Project 30x 0.00047; 1000 Genomes Project 0.00060.
gnomAD v4.1: 44 of 1,537,152 alleles (0.0029%); highest among the groups gnomAD compares: East Asian, 0.092%; no homozygotes.

Submissions (4):

Women's Health and Genetics/Laboratory Corporation of America, LabCorp
Classification: Likely pathogenic for COASY-Related Disorders. Last evaluated: 2025-02-05. Review status: criteria provided, single submitter. Criteria: LabCorp Variant Classification Summary - May 2015. Collection method: clinical testing. Allele origin: germline.
Comment: Variant summary: COASY c.1112A>G (p.Lys371Arg) results in a conservative amino acid change in the encoded protein sequence. Four of five in-silico tools predict a damaging effect of the variant on protein function. The variant allele was found at a frequency of 0.00016 in 185790 control chromosomes (gnomAD). c.1112A>G has been reported in the literature as a founder variant in multiple individuals (both homozygous and compound heterozygous) affected with riboflavin-responsive lipid storage myopathy (Zheng_2024). These data indicate that the variant is very likely to be associated with disease. Drosophila, homozygous for the p.Lys342Arg (equivalent to p.Lys371Arg in human COASY) exhibited substantial lipid droplet accumulation in muscle fibers and showed a significant decrease in locomotor ability compared to wild-type (Zheng_2024). The following publication has been ascertained in the context of this evaluation (PMID: 38413569). ClinVar contains an entry for this variant (Variation ID: 2049002). Based on the evidence outlined above, the variant was classified as likely pathogenic.

Labcorp Genetics (formerly Invitae), Labcorp
Classification: Uncertain significance for Neurodegeneration with brain iron accumulation 6. Last evaluated: 2024-07-01. Review status: criteria provided, single submitter. Criteria: Invitae Variant Classification Sherloc (09022015). Collection method: clinical testing. Allele origin: germline.
Comment: This sequence change replaces lysine, which is basic and polar, with arginine, which is basic and polar, at codon 371 of the COASY protein (p.Lys371Arg). This variant is present in population databases (rs374448845, gnomAD 0.2%). This variant has not been reported in the literature in individuals affected with COASY-related conditions. ClinVar contains an entry for this variant (Variation ID: 2049002). Advanced modeling of protein sequence and biophysical properties (such as structural, functional, and spatial information, amino acid conservation, physicochemical variation, residue mobility, and thermodynamic stability) performed at Invitae indicates that this missense variant is expected to disrupt COASY protein function with a positive predictive value of 80%. In summary, the available evidence is currently insufficient to determine the role of this variant in disease. Therefore, it has been classified as a Variant of Uncertain Significance.

Juno Genomics, Hangzhou Juno Genomics, Inc
Classification: Likely pathogenic for Neurodegeneration with brain iron accumulation 6; Pontocerebellar hypoplasia, type 12. Review status: criteria provided, single submitter. Criteria: ACMG Guidelines, 2015. Collection method: clinical testing. Allele origin: germline.
Comment: Absent from controls (or at extremely low frequency if recessive) in Genome Aggregation Database.;Multiple lines of computational evidence support a deleterious effect on the gene or gene product.;For recessive disorders, detected in trans with a pathogenic variant.

Clinical Genetics Laboratory, First Hospital Of Nanchang
Classification: Pathogenic for Lipid storage myopathy. Review status: no assertion criteria provided. Collection method: case-control. Allele origin: inherited. Inheritance: Autosomal recessive inheritance. Affected: no. Observed: 13 variant alleles. Not counted in ClinVar's aggregate classification.

Literature cited by the submitters: PubMed 38413569 (cited by Women's Health and Genetics/Laboratory Corporation of America, LabCorp).

NM_025233.7(COASY):c.1112A>G (p.Lys371Arg)

Gene: COASY (Coenzyme A synthase; plus strand). Cytogenetic location: 17q21.2.
Variant type: single nucleotide variant.
Coding change: c.1112A>G on transcript NM_025233.7 (MANE Select); coding-DNA position 1112, A replaced by G.
Protein change: p.Lys371Arg; replaces lysine 371 with arginine.
Molecular consequence: missense variant.
Genome position (GRCh38, 1-based): chr17:42,564,773, A>G. VCF-style: chr17-42564773-A-G. GRCh37 (hg19) VCF-style: chr17-40716791-A-G.
Other names: c.1112A>G, p.Lys371Arg (NM_001042529.3); c.1199A>G, p.Lys400Arg (NM_001042532.4); c.1112A>G (NM_025233.6); short protein forms K371R, K400R.
Identifiers: ClinVar variation 2049002 (VCV002049002.7), dbSNP rs374448845, ClinGen allele CA8578204.